The following is an entry in ClinVar:

NM_000283.4(PDE6B):c.232A>C (p.Lys78Gln)

Gene: PDE6B (phosphodiesterase 6B; plus strand). Cytogenetic location: 4p16.3.
Variant type: single nucleotide variant.
Coding change: c.232A>C on transcript NM_000283.4 (MANE Select); coding-DNA position 232, A replaced by C.
Protein change: p.Lys78Gln; replaces lysine 78 with glutamine.
Molecular consequence: missense variant.
Genome position (GRCh38, 1-based): chr4:625,858, A>C. VCF-style: chr4-625858-A-C. GRCh37 (hg19) VCF-style: chr4-619647-A-C.
Other names: c.232A>C, p.Lys78Gln (NM_001145291.2, NM_001440547.1, NM_001440548.1); short protein forms K78Q.
Identifiers: ClinVar variation 4699900 (VCV004699900.1).

ClinVar aggregate classification (germline): Uncertain significance (1 of 4 stars; one submission).

Submission:

Labcorp Genetics (formerly Invitae), Labcorp
Classification: Uncertain significance. Last evaluated: 2025-09-12. Review status: criteria provided, single submitter. Criteria: Invitae Variant Classification Sherloc (09022015). Collection method: clinical testing. Allele origin: germline.
Comment: This sequence change replaces lysine, which is basic and polar, with glutamine, which is neutral and polar, at codon 78 of the PDE6B protein (p.Lys78Gln). This variant is present in population databases (rs759913109, gnomAD 0.003%). This variant has not been reported in the literature in individuals affected with PDE6B-related conditions. Invitae Evidence Modeling of protein sequence and biophysical properties (such as structural, functional, and spatial information, amino acid conservation, physicochemical variation, residue mobility, and thermodynamic stability) has been performed for this missense variant. However, the output from this modeling did not meet the statistical confidence thresholds required to predict the impact of this variant on PDE6B protein function. In summary, the available evidence is currently insufficient to determine the role of this variant in disease. Therefore, it has been classified as a Variant of Uncertain Significance.